The following is an entry in ClinVar:

NM_003560.4(PLA2G6):c.496dup (p.Glu166fs)

Gene: PLA2G6 (phospholipase A2 group VI; minus strand). Cytogenetic location: 22q13.1.
Variant type: Duplication.
Coding change: c.496dup on transcript NM_003560.4 (MANE Select); coding-DNA position 496, one base duplicated (G; older notation c.496dupG).
Protein change: p.Glu166fs; shifts the reading frame from glutamic acid 166.
Molecular consequence: frameshift variant. On other transcripts: 5 prime UTR variant (2), initiator codon variant (1).
Genome position (GRCh38, 1-based): chr22:38,143,218, C duplicated on the plus strand (G on the coding strand, the reverse complement: PLA2G6 is on the minus strand); the first of 4 consecutive C bases (chr22:38,143,218-38,143,221); duplicating any one gives the same sequence. VCF-style (leftmost placement, unchanged base first): chr22-38143217-T-TC. GRCh37 (hg19) VCF-style: chr22-38539224-T-TC.
Other names: c.496dup, p.Glu166fs (NM_001004426.3, NM_001199562.3, NM_001349864.2 and 2 more transcripts); c.-39dup (NM_001349867.2, NM_001349869.2); c.6dup, p.Arg3fs (NM_001349868.2); short protein forms R3fs, E166fs.
Identifiers: ClinVar variation 2910480 (VCV002910480.3), dbSNP rs2518056465, ClinGen allele CA2695230866.

ClinVar aggregate classification (germline): Pathogenic (1 of 4 stars; one submission).

Conditions:
Infantile neuroaxonal dystrophy (NBIA2A). Also called: NEURODEGENERATION WITH BRAIN IRON ACCUMULATION 2A; SEITELBERGER DISEASE; Infantile neuroaxonal dystrophy 1. Identifiers: Orphanet 35069, MedGen C0270724, MONDO:0024457, OMIM 256600.

Submission:

Labcorp Genetics (formerly Invitae), Labcorp
Classification: Pathogenic for Infantile neuroaxonal dystrophy. Last evaluated: 2024-01-09. Review status: criteria provided, single submitter. Criteria: Invitae Variant Classification Sherloc (09022015). Collection method: clinical testing. Allele origin: germline.
Comment: This sequence change creates a premature translational stop signal (p.Glu166Glyfs*32) in the PLA2G6 gene. It is expected to result in an absent or disrupted protein product. Loss-of-function variants in PLA2G6 are known to be pathogenic (PMID: 16783378, 18570303, 18799783, 22213678). This variant is not present in population databases (gnomAD no frequency). This premature translational stop signal has been observed in individual(s) with infantile neuroaxonal dystrophy (PMID: 30112060). For these reasons, this variant has been classified as Pathogenic.

Literature cited by the submitters: PubMed 16783378; PubMed 18570303; PubMed 18799783; PubMed 22213678; PubMed 30112060.